The following is an entry in ClinVar:

ClinVar aggregate classification (germline): Uncertain significance (1 of 4 stars; one submission).

Conditions:
Primary ciliary dyskinesia. Also called: Ciliary dyskinesia. Identifiers: Orphanet 244, MedGen C0008780, MONDO:0016575, HP:0012265.

gnomAD v4.1: 1 of 1,614,154 alleles (0.000062%); highest among the groups gnomAD compares: Non-Finnish European, 0.000085%; no homozygotes.

Submission:

Labcorp Genetics (formerly Invitae), Labcorp
Classification: Uncertain significance for Primary ciliary dyskinesia. Last evaluated: 2021-08-14. Review status: criteria provided, single submitter. Criteria: Invitae Variant Classification Sherloc (09022015). Collection method: clinical testing. Allele origin: germline.
Comment: This sequence change replaces aspartic acid with asparagine at codon 2844 of the DNAH5 protein (p.Asp2844Asn). The aspartic acid residue is highly conserved and there is a small physicochemical difference between aspartic acid and asparagine. This variant is not present in population databases (ExAC no frequency). This variant has not been reported in the literature in individuals affected with DNAH5-related conditions. Advanced modeling of protein sequence and biophysical properties (such as structural, functional, and spatial information, amino acid conservation, physicochemical variation, residue mobility, and thermodynamic stability) performed at Invitae indicates that this missense variant is not expected to disrupt DNAH5 protein function. In summary, the available evidence is currently insufficient to determine the role of this variant in disease. Therefore, it has been classified as a Variant of Uncertain Significance.

NM_001369.3(DNAH5):c.8530G>A (p.Asp2844Asn)

Gene: DNAH5 (dynein axonemal heavy chain 5; minus strand). Cytogenetic location: 5p15.2.
Variant type: single nucleotide variant.
Coding change: c.8530G>A on transcript NM_001369.3 (MANE Select); coding-DNA position 8530, G replaced by A.
Protein change: p.Asp2844Asn; replaces aspartic acid 2844 with asparagine.
Molecular consequence: missense variant.
Genome position (GRCh38, 1-based): chr5:13,788,833, C>T on the plus strand (G>A on the coding strand, the complement: DNAH5 is on the minus strand). VCF-style: chr5-13788833-C-T. GRCh37 (hg19) VCF-style: chr5-13788942-C-T.
Other names: short protein forms D2844N.
Identifiers: ClinVar variation 1368730 (VCV001368730.5), dbSNP rs2126882668, ClinGen allele CA359217765.